The following is an entry in ClinVar:

ClinVar aggregate classification (germline): Uncertain significance (1 of 4 stars; one submission).

Submission:

Labcorp Genetics (formerly Invitae), Labcorp
Classification: Uncertain significance. Last evaluated: 2024-02-17. Review status: criteria provided, single submitter. Criteria: Invitae Variant Classification Sherloc (09022015). Collection method: clinical testing. Allele origin: germline.
Comment: This sequence change replaces serine, which is neutral and polar, with glycine, which is neutral and non-polar, at codon 525 of the TCF20 protein (p.Ser525Gly). This variant is not present in population databases (gnomAD no frequency). This variant has not been reported in the literature in individuals affected with TCF20-related conditions. An algorithm developed to predict the effect of missense changes on protein structure and function (PolyPhen-2) suggests that this variant is likely to be disruptive. In summary, the available evidence is currently insufficient to determine the role of this variant in disease. Therefore, it has been classified as a Variant of Uncertain Significance.

NM_001378418.1(TCF20):c.1573A>G (p.Ser525Gly)

Gene: TCF20 (transcription factor 20; minus strand). Cytogenetic location: 22q13.2.
Variant type: single nucleotide variant.
Coding change: c.1573A>G on transcript NM_001378418.1 (MANE Select); coding-DNA position 1573, A replaced by G.
Protein change: p.Ser525Gly; replaces serine 525 with glycine.
Molecular consequence: missense variant.
Genome position (GRCh38, 1-based): chr22:42,213,733, T>C on the plus strand (A>G on the coding strand, the complement: TCF20 is on the minus strand). VCF-style: chr22-42213733-T-C. GRCh37 (hg19) VCF-style: chr22-42609739-T-C.
Other names: c.1573A>G, p.Ser525Gly (NM_005650.4, NM_181492.3); short protein forms S525G.
Identifiers: ClinVar variation 3678307 (VCV003678307.2).
Genomic context (GRCh38, chr22:42,213,733, plus strand): 5'-CAGAGCTGGTGCTCTGGCCACTTAGTTGCCGCACTCTCTCGCCTTGATCCTCTGAACTGC[T>C]GGAGCAGCCTCCATCTAATGACTCTGCCATAGGGGACTTCAGCTGTTCTTCAGGTTGTGA-3'
Protein context (NP_001365347.1, residues 515-535): MAESLDGGCS[Ser525Gly]SSEDQGERVR